The following is an entry in ClinVar:

ClinVar aggregate classification (germline): Uncertain significance (1 of 4 stars; one submission).

Conditions:
Hyperprolinemia type 2 (HYRPRO2). Also called: Delta-1-pyrroline-5-carboxylate dehydrogenase deficiency; 1-PYRROLINE-5-CARBOXYLATE DEHYDROGENASE DEFICIENCY; Deficiency of pyrroline-5-carboxylate reductase. Identifiers: Orphanet 79101, MedGen C2931835, MONDO:0009401, OMIM 239510.

Submission:

Labcorp Genetics (formerly Invitae), Labcorp
Classification: Uncertain significance for Hyperprolinemia type 2. Last evaluated: 2022-07-19. Review status: criteria provided, single submitter. Criteria: Invitae Variant Classification Sherloc (09022015). Collection method: clinical testing. Allele origin: germline.
Comment: In summary, the available evidence is currently insufficient to determine the role of this variant in disease. Therefore, it has been classified as a Variant of Uncertain Significance. Algorithms developed to predict the effect of missense changes on protein structure and function (SIFT, PolyPhen-2, Align-GVGD) all suggest that this variant is likely to be disruptive. ClinVar contains an entry for this variant (Variation ID: 1378145). This variant has not been reported in the literature in individuals affected with ALDH4A1-related conditions. This variant is not present in population databases (gnomAD no frequency). This sequence change replaces threonine, which is neutral and polar, with serine, which is neutral and polar, at codon 479 of the ALDH4A1 protein (p.Thr479Ser).

NM_003748.4(ALDH4A1):c.1435A>T (p.Thr479Ser)

Genes: ALDH4A1 (aldehyde dehydrogenase 4 family member A1; minus strand), LOC120893116 (Sharpr-MPRA regulatory region 7483; plus strand). Cytogenetic location: 1p36.13.
Variant type: single nucleotide variant.
Coding change: c.1435A>T on transcript NM_003748.4 (MANE Select); coding-DNA position 1435, A replaced by T.
Protein change: p.Thr479Ser; replaces threonine 479 with serine.
Molecular consequence: missense variant.
Genome position (GRCh38, 1-based): chr1:18,875,407, T>A on the plus strand (A>T on the coding strand, the complement: ALDH4A1 is on the minus strand). VCF-style: chr1-18875407-T-A. GRCh37 (hg19) VCF-style: chr1-19201901-T-A.
Other names: c.1255A>T, p.Thr419Ser (NM_001161504.2); c.1282A>T, p.Thr428Ser (NM_001319218.2); c.1435A>T, p.Thr479Ser (NM_170726.3); short protein forms T428S, T479S, T419S.
Identifiers: ClinVar variation 1378145 (VCV001378145.6), dbSNP rs2100553228, ClinGen allele CA338746458.